The following is an entry in ClinVar:

ClinVar aggregate classification (germline): Pathogenic (1 of 4 stars; one submission).

Conditions:
Hereditary breast ovarian cancer syndrome. Also called: Hereditary breast and ovarian cancer syndrome; Hereditary breast and/or ovarian cancer syndrome; BRCA1- and BRCA2-Associated Hereditary Breast and Ovarian Cancer; Hereditary breast and ovarian cancer syndrome (HBOC); Hereditary breast and ovarian cancer; Breast and ovarian cancer. Identifiers: Orphanet 145, MedGen C0677776, MeSH D061325, MONDO:0003582. Disease mechanism: loss of function.

Submission:

Labcorp Genetics (formerly Invitae), Labcorp
Classification: Pathogenic for Hereditary breast ovarian cancer syndrome. Last evaluated: 2023-01-03. Review status: criteria provided, single submitter. Criteria: Invitae Variant Classification Sherloc (09022015). Collection method: clinical testing. Allele origin: germline.
Comment: For these reasons, this variant has been classified as Pathogenic. This variant has not been reported in the literature in individuals affected with BRCA2-related conditions. This variant is not present in population databases (gnomAD no frequency). This sequence change creates a premature translational stop signal (p.Val1810Leufs*5) in the BRCA2 gene. It is expected to result in an absent or disrupted protein product. Loss-of-function variants in BRCA2 are known to be pathogenic (PMID: 20104584).

Literature cited by the submitters: PubMed 20104584.

NM_000059.4(BRCA2):c.5428del (p.Val1810fs)

Gene: BRCA2 (BRCA2 DNA repair associated; plus strand). Cytogenetic location: 13q13.1.
Variant type: Deletion.
Coding change: c.5428del on transcript NM_000059.4 (MANE Select); coding-DNA position 5428, one base deleted (G; older notation c.5428delG).
Protein change: p.Val1810fs; shifts the reading frame from valine 1810.
Molecular consequence: frameshift variant.
Genome position (GRCh38, 1-based): chr13:32,339,783, G deleted. VCF-style (leftmost placement, unchanged base first): chr13-32339782-CG-C. GRCh37 (hg19) VCF-style: chr13-32913919-CG-C.
Other names: c.5428delG, p.Val1810Leufs (NM_001406719.1, NM_001406720.1); short protein forms V1810fs.
Identifiers: ClinVar variation 2043940 (VCV002043940.4), dbSNP rs2548530782, ClinGen allele CA2580087378.